The following is an entry in ClinVar:

NM_000093.5(COL5A1):c.2503G>A (p.Gly835Ser)

Gene: COL5A1 (collagen type V alpha 1 chain; plus strand). Cytogenetic location: 9q34.3.
Variant type: single nucleotide variant.
Coding change: c.2503G>A on transcript NM_000093.5 (MANE Select); coding-DNA position 2503, G replaced by A.
Protein change: p.Gly835Ser; replaces glycine 835 with serine.
Molecular consequence: missense variant.
Genome position (GRCh38, 1-based): chr9:134,785,007, G>A. VCF-style: chr9-134785007-G-A. GRCh37 (hg19) VCF-style: chr9-137676853-G-A.
Other names: c.2503G>A, p.Gly835Ser (NM_001278074.1); short protein forms G835S.
Identifiers: ClinVar variation 373742 (VCV000373742.9), dbSNP rs927467876, ClinGen allele CA16042756.
Genomic context (GRCh38, chr9:134,785,007, plus strand): 5'-TGCGGGGGGTGGTCTTCTCACCTCCTCTTTTCTGGCTTGCAGGGGGAGATCGGCCCACCC[G>A]GTCCCAGGGGAGAAGATGGCCCTGAAGGCCCAAAGGGTCGCGGAGGTCCCAATGGTGACC-3'
Protein context (NP_000084.3, residues 825-845): KGDRGEIGPP[Gly835Ser]PRGEDGPEGP

ClinVar aggregate classification (germline): Uncertain significance. Review status: criteria provided, multiple submitters, no conflicts (2 of 4 stars). 4 submissions from 4 submitters: Uncertain significance (4). Last evaluated 2024-06-26.

Conditions:
Fibromuscular dysplasia, multifocal. Identifiers: MedGen C5543412, MONDO:0859151, OMIM 619329.
Ehlers-Danlos syndrome, classic type, 1 (EDSCL1). Also called: Ehlers-Danlos syndrome, type 1; EDS I; Ehlers-Danlos Syndrome, Classic Type, COL5A1-Related; EHLERS-DANLOS SYNDROME, SEVERE CLASSIC TYPE; EHLERS-DANLOS SYNDROME, GRAVIS TYPE. Identifiers: MedGen C0268335, MONDO:0019567, OMIM 130000.
Familial thoracic aortic aneurysm and aortic dissection (TAAD). Also called: Thoracic aortic aneurysms and dissections. Identifiers: Orphanet 91387, MedGen C4707243, MONDO:0019625.

Allele frequency attached by ClinVar (database versions not stated): TOPMed below 0.00001.

Submissions (4):

Labcorp Genetics (formerly Invitae), Labcorp
Classification: Uncertain significance for Ehlers-Danlos syndrome, classic type, 1. Last evaluated: 2024-06-26. Review status: criteria provided, single submitter. Criteria: Invitae Variant Classification Sherloc (09022015). Collection method: clinical testing. Allele origin: germline.
Comment: This sequence change replaces glycine, which is neutral and non-polar, with serine, which is neutral and polar, at codon 835 of the COL5A1 protein (p.Gly835Ser). This variant is not present in population databases (gnomAD no frequency). This variant has not been reported in the literature in individuals affected with COL5A1-related conditions. ClinVar contains an entry for this variant (Variation ID: 373742). Advanced modeling of protein sequence and biophysical properties (such as structural, functional, and spatial information, amino acid conservation, physicochemical variation, residue mobility, and thermodynamic stability) performed at Invitae indicates that this missense variant is expected to disrupt COL5A1 protein function with a positive predictive value of 95%. This variant disrupts the triple helix domain of COL5A1. Glycine residues within the Gly-Xaa-Yaa repeats of the triple helix domain are required for the structure and stability of fibrillar collagens (PMID: 7695699, 8218237, 19344236), and variants at these glycine residues in COL5A1 are more frequently observed in individuals with disease than in the general population (PMID: 22696272, 23587214). However, the clinical significance of this observation remains uncertain since only a limited number of affected individuals have been described to date. In summary, the available evidence is currently insufficient to determine the role of this variant in disease. Therefore, it has been classified as a Variant of Uncertain Significance.

GeneDx
Classification: Uncertain significance. Last evaluated: 2016-12-12. Review status: criteria provided, single submitter. Criteria: GeneDx Variant Classification (06012015). Collection method: clinical testing. Allele origin: germline. Affected: yes.
Comment: A variant of uncertain significance has been identified in the COL5A1 gene. The G835S variant has not been published as a pathogenic variant, nor has it been reported as a benign variant to our knowledge. This variant was not observed in approximately 6,500 individuals of European and African American ancestry in the NHLBI Exome Sequencing Project, indicating it is not a common benign variant in these populations. The G835S variant is a non-conservative amino acid substitution, which is likely to impact secondary protein structure as these residues differ in polarity, charge, size and/or other properties. Additionally, this substitution occurs at a position that is conserved across species and in silico analysis predicts this variant is probably damaging to the protein structure/function. Furthermore, this variant affects a Glycine residue in a Gly-X-Y motif in the triple helical region of the COL5A1 gene, where the majority of pathogenic missense variants occur (Stenson et al., 2014; Symoens et al., 2012). Nevertheless, this variant has not been identified in a significant number of affected individuals, and there are no functional studies or segregation data available to clarify the role of this variant in disease.Therefore, based on the currently available information, it is unclear whether this variant is pathogenic or rare benign.

Ambry Genetics
Classification: Uncertain significance for Familial thoracic aortic aneurysm and aortic dissection. Last evaluated: 2016-09-09. Review status: criteria provided, single submitter. Criteria: Ambry Variant Classification Scheme 2023. Collection method: clinical testing. Allele origin: germline.
Comment: The p.G835S variant (also known as c.2503G>A), located in coding exon 30 of the COL5A1 gene, results from a G to A substitution at nucleotide position 2503. The glycine at codon 835 is replaced by serine, an amino acid with some similar properties. This variant was not reported in population based cohorts in the following databases: Database of Single Nucleotide Polymorphisms (dbSNP), NHLBI Exome Sequencing Project (ESP), and 1000 Genomes Project. In the ESP, this variant was not observed in 6503 samples (13006 alleles) with coverage at this position. This amino acid position is highly conserved in available vertebrate species. In addition, this alteration is predicted to be deleterious by in silico analysis. Since supporting evidence is limited at this time, the clinical significance of this alteration remains unclear.

Juno Genomics, Hangzhou Juno Genomics, Inc
Classification: Uncertain significance for Ehlers-Danlos syndrome, classic type, 1; Fibromuscular dysplasia, multifocal. Review status: criteria provided, single submitter. Criteria: ACMG Guidelines, 2015. Collection method: clinical testing. Allele origin: germline.
Comment: Absent from controls (or at extremely low frequency if recessive) in Genome Aggregation Database.;Multiple lines of computational evidence support a deleterious effect on the gene or gene product.

Literature cited by the submitters: PubMed 7695699 (cited by Labcorp Genetics (formerly Invitae), Labcorp); PubMed 8218237 (cited by Labcorp Genetics (formerly Invitae), Labcorp); PubMed 19344236 (cited by Labcorp Genetics (formerly Invitae), Labcorp); PubMed 22696272 (cited by Labcorp Genetics (formerly Invitae), Labcorp); PubMed 23587214 (cited by Labcorp Genetics (formerly Invitae), Labcorp).